The following is an entry in ClinVar:

NM_003465.3(CHIT1):c.220G>A (p.Glu74Lys)

Gene: CHIT1 (chitinase 1; minus strand). Cytogenetic location: 1q32.1.
Variant type: single nucleotide variant.
Coding change: c.220G>A on transcript NM_003465.3 (MANE Select); coding-DNA position 220, G replaced by A.
Protein change: p.Glu74Lys; replaces glutamic acid 74 with lysine.
Molecular consequence: missense variant. On other transcripts: non-coding transcript variant (2).
Genome position (GRCh38, 1-based): chr1:203,225,706, C>T on the plus strand (G>A on the coding strand, the complement: CHIT1 is on the minus strand). VCF-style: chr1-203225706-C-T. GRCh37 (hg19) VCF-style: chr1-203194834-C-T.
Other names: c.220G>A, p.Glu74Lys (NM_001256125.2); short protein forms E74K.
Identifiers: ClinVar variation 9525 (VCV000009525.12), dbSNP rs137852607, ClinGen allele CA120506.

ClinVar aggregate classification (germline): Conflicting classifications of pathogenicity. Review status: criteria provided, conflicting classifications (1 of 4 stars). 3 submissions from 3 submitters: Uncertain significance (1); Benign (1). 1 of the submissions does not count toward it. Last evaluated 2019-08-09.

Conditions:
Chitotriosidase deficiency (CHITD). Identifiers: MedGen C3279902, OMIM 614122, MONDO:0013586.

Allele frequency attached by ClinVar (database versions not stated): 1000 Genomes Project 30x 0.00219; 1000 Genomes Project 0.00240; ExAC 0.00320; gnomAD 0.00341 and 0.00342; gnomAD exomes 0.00342 and 0.00447; TOPMed 0.00360.
gnomAD v4.1: 7,105 of 1,613,996 alleles (0.44%); highest among the groups gnomAD compares: Non-Finnish European, 0.48%; 26 homozygotes.

Submissions (3):

Labcorp Genetics (formerly Invitae), Labcorp
Classification: Benign for Chitotriosidase deficiency. Last evaluated: 2019-08-09. Review status: criteria provided, single submitter. Criteria: Invitae Variant Classification Sherloc (09022015). Collection method: clinical testing. Allele origin: germline.

Illumina Laboratory Services, Illumina
Classification: Uncertain significance for Chitotriosidase deficiency. Last evaluated: 2017-04-27. Review status: criteria provided, single submitter. Criteria: ICSL Variant Classification Criteria 13 December 2019. Collection method: clinical testing. Allele origin: germline.
Comment: This variant was observed as part of a predisposition screen in an ostensibly healthy population. A literature search was performed for the gene, cDNA change, and amino acid change (where applicable). Publications were found based on this search. However, the evidence from the literature, in combination with allele frequency data from public databases where available, was not sufficient to rule this variant in or out of causing disease. Therefore, this variant is classified as a variant of unknown significance.

OMIM
Classification: Affects for CHITOTRIOSIDASE DEFICIENCY. Last evaluated: 2007-09-01. Review status: no assertion criteria provided. Collection method: literature only. Allele origin: germline. Not counted in ClinVar's aggregate classification.

Literature cited by the submitters: PubMed 17464953 (cited by Illumina Laboratory Services, Illumina and OMIM).